The following is an entry in ClinVar:

NM_000018.4(ACADVL):c.1829C>T (p.Ala610Val)

Gene: ACADVL (acyl-CoA dehydrogenase very long chain; plus strand). Cytogenetic location: 17p13.1.
Variant type: single nucleotide variant.
Coding change: c.1829C>T on transcript NM_000018.4 (MANE Select); coding-DNA position 1829, C replaced by T.
Protein change: p.Ala610Val; replaces alanine 610 with valine.
Molecular consequence: missense variant.
Genome position (GRCh38, 1-based): chr17:7,224,958, C>T. VCF-style: chr17-7224958-C-T. GRCh37 (hg19) VCF-style: chr17-7128277-C-T.
Other names: c.1763C>T, p.Ala588Val (NM_001033859.3); c.1898C>T, p.Ala633Val (NM_001270447.2); c.1601C>T, p.Ala534Val (NM_001270448.2); short protein forms A633V, A610V, A534V, A588V.
Identifiers: ClinVar variation 932779 (VCV000932779.6), dbSNP rs1179668719, ClinGen allele CA397725992.
Genomic context (GRCh38, chr17:7,224,958, plus strand): 5'-CTGCCAAGCTCAGGTGAGGGCTGGAGGTGCAGGCCCAACCCCTCCTTCCCTCTCCCCAGG[C>T]TGCAGCTCGGATCCGAGAGGGCATGGCCGCCCTGCAGTCTGACCCCTGGCAGCAAGAGCT-3'
Protein context (NP_000009.1, residues 600-620): KMLCDTWCIE[Ala610Val]AARIREGMAA

ClinVar aggregate classification (germline): Uncertain significance. Review status: criteria provided, multiple submitters, no conflicts (2 of 4 stars). 2 submissions from 2 submitters: Uncertain significance (2). Last evaluated 2022-03-08.

Conditions:
Very long chain acyl-CoA dehydrogenase deficiency (ACADVLD). Also called: Very Long-Chain Acyl-Coenzyme A Dehydrogenase Deficiency; VLCAD Deficiency. Identifiers: Orphanet 26793, MedGen C3887523, MONDO:0008723, OMIM 201475.

Allele frequency attached by ClinVar (database versions not stated): gnomAD 0.00001; TOPMed 0.00001.
gnomAD v4.1: 1 of 1,613,964 alleles (0.000062%); highest among the groups gnomAD compares: African/African-American, 0.0013%; no homozygotes.

Submissions (2):

Labcorp Genetics (formerly Invitae), Labcorp
Classification: Uncertain significance for Very long chain acyl-CoA dehydrogenase deficiency. Last evaluated: 2022-03-08. Review status: criteria provided, single submitter. Criteria: Invitae Variant Classification Sherloc (09022015). Collection method: clinical testing. Allele origin: germline.
Comment: This sequence change replaces alanine, which is neutral and non-polar, with valine, which is neutral and non-polar, at codon 610 of the ACADVL protein (p.Ala610Val). This variant is not present in population databases (gnomAD no frequency). This variant has not been reported in the literature in individuals affected with ACADVL-related conditions. ClinVar contains an entry for this variant (Variation ID: 932779). Algorithms developed to predict the effect of missense changes on protein structure and function are either unavailable or do not agree on the potential impact of this missense change (SIFT: "Deleterious"; PolyPhen-2: "Possibly Damaging"; Align-GVGD: "Class C0"). In summary, the available evidence is currently insufficient to determine the role of this variant in disease. Therefore, it has been classified as a Variant of Uncertain Significance.

Wong Mito Lab, Molecular and Human Genetics, Baylor College of Medicine
Classification: Uncertain significance for Very long chain acyl-CoA dehydrogenase deficiency. Last evaluated: 2019-11-01. Review status: criteria provided, single submitter. Criteria: ACMG Guidelines, 2015. Collection method: clinical testing. Allele origin: germline.
Comment: The NM_000018.3:c.1829C>T (NP_000009.1:p.Ala610Val) [GRCH38: NC_000017.11:g.7224958C>T] variant in ACADVL gene is interpretated to be Uncertain Significance based on ACMG guidelines (PMID: 25741868). This variant has been reported. This variant meets the following evidence codes reported in the ACMG guidelines: PP3